The following is an entry in ClinVar:

NM_001042492.3(NF1):c.1261_1268delinsCCC (p.Ser421fs)

Gene: NF1 (neurofibromin 1; plus strand). Cytogenetic location: 17q11.2.
Variant type: Indel.
Coding change: c.1261_1268delinsCCC on transcript NM_001042492.3 (MANE Select); coding-DNA positions 1261 to 1268, TCCGCATT replaced by CCC.
Protein change: p.Ser421fs; shifts the reading frame from serine 421.
Molecular consequence: frameshift variant.
Genome position (GRCh38, 1-based): chr17:31,206,240-31,206,247, TCCGCATT replaced by CCC. VCF-style: chr17-31206240-TCCGCATT-CCC. GRCh37 (hg19) VCF-style: chr17-29533258-TCCGCATT-CCC.
Other names: c.1261_1268delTCCGCATTinsCCC, p.Ser421Profs (NM_000267.4); c.1261_1268delinsCCC, p.Ser421fs (NM_001128147.3); short protein forms S421fs.
Identifiers: ClinVar variation 965468 (VCV000965468.5), dbSNP rs2066618784, ClinGen allele CA1139665321.
Genomic context (GRCh38, chr17:31,206,240, plus strand): 5'-GAGCATACAACTCACGTAATTTTGTACTTTTTCTTCCTATTGGTCTTTGTTTTTCTCTAG[TCCGCATT>CCC]GGATTGGTGGCCTAAGATTGATGCTGTGTATTGTCACTCGGTTGAACTTCGAAATATGTT-3'

ClinVar aggregate classification (germline): Pathogenic (1 of 4 stars; one submission).

Conditions:
Neurofibromatosis, type 1 (NF1). Also called: Neurofibromatosis, type I; Peripheral type neurofibromatosis; VON RECKLINGHAUSEN DISEASE; NEUROFIBROMATOSIS, TYPE I, SOMATIC. Identifiers: Orphanet 636, MedGen C0027831, MONDO:0018975, OMIM 162200. Disease mechanism: loss of function.

Submission:

Labcorp Genetics (formerly Invitae), Labcorp
Classification: Pathogenic for Neurofibromatosis, type 1. Last evaluated: 2025-07-31. Review status: criteria provided, single submitter. Criteria: Invitae Variant Classification Sherloc (09022015). Collection method: clinical testing. Allele origin: germline.
Comment: This sequence change creates a premature translational stop signal (p.Ser421Profs*6) in the NF1 gene. It is expected to result in an absent or disrupted protein product. Loss-of-function variants in NF1 are known to be pathogenic (PMID: 10712197, 23913538). This variant is not present in population databases (gnomAD no frequency). This variant has not been reported in the literature in individuals affected with NF1-related conditions. For these reasons, this variant has been classified as Pathogenic.

Literature cited by the submitters: PubMed 10712197; PubMed 23913538.